The following is an entry in ClinVar:

ClinVar aggregate classification (germline): Uncertain significance (1 of 4 stars; one submission).

Conditions:
Hereditary cancer-predisposing syndrome. Also called: Hereditary Cancer Syndrome; Hereditary neoplastic syndrome; Neoplastic Syndromes, Hereditary; Tumor predisposition. Identifiers: Orphanet 140162, MedGen C0027672, MeSH D009386, MONDO:0015356.

Submission:

Ambry Genetics
Classification: Uncertain significance for Hereditary cancer-predisposing syndrome. Last evaluated: 2022-08-11. Review status: criteria provided, single submitter. Criteria: Ambry Variant Classification Scheme 2023. Collection method: clinical testing. Allele origin: germline.
Comment: The p.A1462D variant (also known as c.4385C>A), located in coding exon 28 of the ATM gene, results from a C to A substitution at nucleotide position 4385. The alanine at codon 1462 is replaced by aspartic acid, an amino acid with dissimilar properties. This amino acid position is conserved. In addition, this alteration is predicted to be deleterious by in silico analysis. Since supporting evidence is limited at this time, the clinical significance of this alteration remains unclear.

NM_000051.4(ATM):c.4385C>A (p.Ala1462Asp)

Gene: ATM (ATM serine/threonine kinase; plus strand). Cytogenetic location: 11q22.3.
Variant type: single nucleotide variant.
Coding change: c.4385C>A on transcript NM_000051.4 (MANE Select); coding-DNA position 4385, C replaced by A.
Protein change: p.Ala1462Asp; replaces alanine 1462 with aspartic acid.
Molecular consequence: missense variant.
Genome position (GRCh38, 1-based): chr11:108,289,750, C>A. VCF-style: chr11-108289750-C-A. GRCh37 (hg19) VCF-style: chr11-108160477-C-A.
Other names: c.4385C>A, p.Ala1462Asp (NM_001351834.2); short protein forms A1462D.
Identifiers: ClinVar variation 1740177 (VCV001740177.2), dbSNP rs2135764954, ClinGen allele CA382532148.